The following is an entry in ClinVar:

ClinVar aggregate classification (germline): Uncertain significance (1 of 4 stars; one submission).

Conditions:
Dilated cardiomyopathy 1G (CMD1G). Identifiers: Orphanet 154, MedGen C1858763, MONDO:0011400, OMIM 604145.
Autosomal recessive limb-girdle muscular dystrophy type 2J (LGMDR10). Also called: Limb-girdle muscular dystrophy, type 2J; MUSCULAR DYSTROPHY, LIMB-GIRDLE, AUTOSOMAL RECESSIVE 10. Identifiers: Orphanet 140922, MedGen C1837342, MONDO:0012127, OMIM 608807.

Submission:

Labcorp Genetics (formerly Invitae), Labcorp
Classification: Uncertain significance for Dilated cardiomyopathy 1G; Autosomal recessive limb-girdle muscular dystrophy type 2J. Last evaluated: 2024-02-24. Review status: criteria provided, single submitter. Criteria: Invitae Variant Classification Sherloc (09022015). Collection method: clinical testing. Allele origin: germline.
Comment: This sequence change replaces arginine, which is basic and polar, with lysine, which is basic and polar, at codon 35670 of the TTN protein (p.Arg35670Lys). This variant is not present in population databases (gnomAD no frequency). This variant has not been reported in the literature in individuals affected with TTN-related conditions. ClinVar contains an entry for this variant (Variation ID: 1477777). Algorithms developed to predict the effect of missense changes on protein structure and function output the following: SIFT: "Not Available"; PolyPhen-2: "Not Available"; Align-GVGD: "Not Available". The lysine amino acid residue is found in multiple mammalian species, which suggests that this missense change does not adversely affect protein function. This variant is located in the M band of TTN (PMID: 25589632). Non-truncating variants in this region may be relevant for neuromuscular disorders, but have not been definitively shown to cause cardiomyopathy (PMID: 23975875). In summary, the available evidence is currently insufficient to determine the role of this variant in disease. Therefore, it has been classified as a Variant of Uncertain Significance.

Literature cited by the submitters: PubMed 25589632; PubMed 23975875.

NM_001267550.2(TTN):c.107009G>A (p.Arg35670Lys)

Genes: TTN (titin; minus strand), TTN-AS1 (TTN antisense RNA 1; plus strand). Cytogenetic location: 2q31.2.
Variant type: single nucleotide variant.
Coding change: c.107009G>A on transcript NM_001267550.2 (MANE Select); coding-DNA position 107009, G replaced by A.
Protein change: p.Arg35670Lys; replaces arginine 35670 with lysine.
Molecular consequence: missense variant.
Genome position (GRCh38, 1-based): chr2:178,528,742, C>T on the plus strand (G>A on the coding strand, the complement: TTN is on the minus strand). VCF-style: chr2-178528742-C-T. GRCh37 (hg19) VCF-style: chr2-179393469-C-T.
Other names: c.102086G>A, p.Arg34029Lys (NM_001256850.1); c.79814G>A, p.Arg26605Lys (NM_003319.4); c.99305G>A, p.Arg33102Lys (NM_133378.4); c.80189G>A, p.Arg26730Lys (NM_133432.3); c.80390G>A, p.Arg26797Lys (NM_133437.4); short protein forms R26605K, R26730K, R26797K, R35670K, R33102K, R34029K.
Identifiers: ClinVar variation 1477777 (VCV001477777.6), dbSNP rs534961012, ClinGen allele CA349402246.
Genomic context (GRCh38, chr2:178,528,742, plus strand): 5'-TACTGACACTTGACGATTCCTTCCTTGGTTTTGCTTATGCAGGTGAGGATTCCTTCATCT[C>T]TGTGACTGGCTTGCTTGATGGTTAGGGTCTGATCGCTGCCTGAGACACCATATCGGTACT-3'
Protein context (NP_001254479.2, residues 35660-35680): QTLTIKQASH[Arg35670Lys]DEGILTCISK